The following is an entry in ClinVar:

ClinVar aggregate classification (germline): Uncertain significance (1 of 4 stars; one submission).

Allele frequency attached by ClinVar (database versions not stated): gnomAD exomes 0.00012; 1000 Genomes Project 30x 0.00016; gnomAD 0.00017; TOPMed 0.00020.
gnomAD v4.1: 145 of 1,177,672 alleles (0.012%); highest among the groups gnomAD compares: Middle Eastern, 0.069%; no homozygotes.

Submission:

Ambry Genetics
Classification: Uncertain significance. Last evaluated: 2024-11-18. Review status: criteria provided, single submitter. Criteria: Ambry Variant Classification Scheme 2023. Collection method: clinical testing. Allele origin: germline.
Comment: The p.E87G variant (also known as c.260A>G), located in coding exon 1 of the WNK2 gene, results from an A to G substitution at nucleotide position 260. The glutamic acid at codon 87 is replaced by glycine, an amino acid with similar properties. This amino acid position is conserved. In addition, this alteration is predicted to be tolerated by in silico analysis. Based on the available evidence, the clinical significance of this variant remains unclear.

NM_006648.4(WNK2):c.260A>G (p.Glu87Gly)

Gene: WNK2 (WNK lysine deficient protein kinase 2; plus strand). Cytogenetic location: 9q22.31.
Variant type: single nucleotide variant.
Coding change: c.260A>G on transcript NM_006648.4 (MANE Select); coding-DNA position 260, A replaced by G.
Protein change: p.Glu87Gly; replaces glutamic acid 87 with glycine.
Molecular consequence: missense variant.
Genome position (GRCh38, 1-based): chr9:93,185,189, A>G. VCF-style: chr9-93185189-A-G. GRCh37 (hg19) VCF-style: chr9-95947471-A-G.
Other names: c.260A>G, p.Glu87Gly (NM_001282394.3); short protein forms E87G.
Identifiers: ClinVar variation 2366233 (VCV002366233.3), dbSNP rs756744238, ClinGen allele CA5129051.